The following is an entry in ClinVar:

NM_000077.5(CDKN2A):c.431G>T (p.Arg144Leu)

Gene: CDKN2A (cyclin dependent kinase inhibitor 2A; minus strand). Cytogenetic location: 9p21.3.
Variant type: single nucleotide variant.
Coding change: c.431G>T on transcript NM_000077.5; coding-DNA position 431, G replaced by T.
Protein change: p.Arg144Leu; replaces arginine 144 with leucine.
Molecular consequence: missense variant (on NM_000077.6). On other transcripts: 3 prime UTR variant (2).
Genome position (GRCh38, 1-based): chr9:21,970,928, C>A on the plus strand (G>T on the coding strand, the complement: CDKN2A is on the minus strand). VCF-style: chr9-21970928-C-A. GRCh37 (hg19) VCF-style: chr9-21970927-C-A.
Other names: c.431G>T, p.Arg144Leu (NM_000077.6, NM_001195132.2); c.278G>T, p.Arg93Leu (NM_001363763.2); c.*75G>T (NM_058195.4); c.*354G>T (NM_058197.5); short protein forms R144L, R93L.
Identifiers: ClinVar variation 463505 (VCV000463505.23), dbSNP rs1060501274, ClinGen allele CA373085854.

ClinVar aggregate classification (germline): Uncertain significance. Review status: criteria provided, multiple submitters, no conflicts (2 of 4 stars). 6 submissions from 6 submitters: Uncertain significance (6). Last evaluated 2025-07-29.

Conditions:
Familial melanoma. Also called: Hereditary melanoma; Hereditary cutaneous melanoma. Identifiers: Orphanet 618, MedGen C1512419, MONDO:0018961.
Hereditary cancer-predisposing syndrome. Also called: Hereditary neoplastic syndrome; Neoplastic Syndromes, Hereditary; Hereditary Cancer Syndrome; Tumor predisposition. Identifiers: Orphanet 140162, MedGen C0027672, MeSH D009386, MONDO:0015356.

Allele frequency attached by ClinVar (database versions not stated): gnomAD exomes 0.00001.
gnomAD v4.1: 10 of 1,612,274 alleles (0.00062%); highest among the groups gnomAD compares: East Asian, 0.0045%; no homozygotes.

Submissions (6):

Labcorp Genetics (formerly Invitae), Labcorp
Classification: Uncertain significance for Familial melanoma. Last evaluated: 2025-07-29. Review status: criteria provided, single submitter. Criteria: Invitae Variant Classification Sherloc (09022015). Collection method: clinical testing. Allele origin: germline.
Comment: This sequence change replaces arginine, which is basic and polar, with leucine, which is neutral and non-polar, at codon 144 of the CDKN2A (p16INK4a) protein (p.Arg144Leu). This variant is not present in population databases (gnomAD no frequency). This variant has not been reported in the literature in individuals affected with CDKN2A (p16INK4a)-related conditions. ClinVar contains an entry for this variant (Variation ID: 463505). An algorithm developed to predict the effect of missense changes on protein structure and function outputs the following: PolyPhen-2: "Benign". The leucine amino acid residue is found in multiple mammalian species, which suggests that this missense change does not adversely affect protein function. In summary, the available evidence is currently insufficient to determine the role of this variant in disease. Therefore, it has been classified as a Variant of Uncertain Significance.

Color Diagnostics, LLC DBA Color Health
Classification: Uncertain significance for Hereditary cancer-predisposing syndrome. Last evaluated: 2024-03-20. Review status: criteria provided, single submitter. Criteria: ACMG Guidelines, 2015. Collection method: clinical testing. Allele origin: germline.
Comment: The CDKN2A locus encodes two different gene products, p16INK4a and p14ARF. This missense variant replaces arginine with leucine at codon 144 of the CDKN2A (p16INK4A) protein. Computational prediction suggests that this variant may not impact protein structure and function. To our knowledge, functional studies have not been reported for this variant. This variant has not been reported in individuals affected with CDKN2A-related disorders in the literature. This variant has not been identified in the general population by the Genome Aggregation Database (gnomAD). The available evidence is insufficient to determine the role of this variant in disease conclusively. Therefore, this variant is classified as a Variant of Uncertain Significance.

Ambry Genetics
Classification: Uncertain significance for Hereditary cancer-predisposing syndrome. Last evaluated: 2023-11-16. Review status: criteria provided, single submitter. Criteria: Ambry Variant Classification Scheme 2023. Collection method: clinical testing. Allele origin: germline.
Comment: The p.R144L variant (also known as c.431G>T), located in coding exon 2 of the CDKN2A gene, results from a G to T substitution at nucleotide position 431. The arginine at codon 144 is replaced by leucine, an amino acid with dissimilar properties. This amino acid position is poorly conserved in available vertebrate species. In addition, this alteration is predicted to be tolerated by in silico analysis. Since supporting evidence is limited at this time, the clinical significance of this alteration remains unclear.

GeneDx
Classification: Uncertain significance. Last evaluated: 2023-06-16. Review status: criteria provided, single submitter. Criteria: GeneDx Variant Classification Process June 2021. Collection method: clinical testing. Allele origin: germline. Affected: yes.
Comment: Not observed at significant frequency in large population cohorts (gnomAD); In silico analysis supports that this missense variant does not alter protein structure/function; Has not been previously published as pathogenic or benign to our knowledge

Blueprint Genetics
Classification: Uncertain significance. Last evaluated: 2022-08-16. Review status: criteria provided, single submitter. Criteria: ACMG Guidelines, 2015. Collection method: clinical testing. Allele origin: germline.

PreventionGenetics, part of Exact Sciences
Classification: Uncertain significance. Last evaluated: 2017-05-26. Review status: criteria provided, single submitter. Criteria: ACMG Guidelines, 2015. Collection method: clinical testing. Allele origin: germline.